The following is an entry in ClinVar:

NM_005529.7(HSPG2):c.5090G>A (p.Arg1697Gln)

Gene: HSPG2 (heparan sulfate proteoglycan 2; minus strand). Cytogenetic location: 1p36.12.
Variant type: single nucleotide variant.
Coding change: c.5090G>A on transcript NM_005529.7 (MANE Select); coding-DNA position 5090, G replaced by A.
Protein change: p.Arg1697Gln; replaces arginine 1697 with glutamine.
Molecular consequence: missense variant.
Genome position (GRCh38, 1-based): chr1:21,859,927, C>T on the plus strand (G>A on the coding strand, the complement: HSPG2 is on the minus strand). VCF-style: chr1-21859927-C-T. GRCh37 (hg19) VCF-style: chr1-22186420-C-T.
Other names: c.5093G>A, p.Arg1698Gln (NM_001291860.2); short protein forms R1698Q, R1697Q.
Identifiers: ClinVar variation 1364606 (VCV001364606.5), dbSNP rs540966711, ClinGen allele CA672062.

ClinVar aggregate classification (germline): Uncertain significance (1 of 4 stars; one submission).

Allele frequency attached by ClinVar (database versions not stated): TOPMed below 0.00001; gnomAD 0.00001; ExAC 0.00002; gnomAD exomes 0.00002; 1000 Genomes Project 30x 0.00016; 1000 Genomes Project 0.00020.

Submission:

Labcorp Genetics (formerly Invitae), Labcorp
Classification: Uncertain significance. Last evaluated: 2023-11-28. Review status: criteria provided, single submitter. Criteria: Invitae Variant Classification Sherloc (09022015). Collection method: clinical testing. Allele origin: germline.
Comment: This sequence change replaces arginine, which is basic and polar, with glutamine, which is neutral and polar, at codon 1697 of the HSPG2 protein (p.Arg1697Gln). This variant is present in population databases (rs540966711, gnomAD 0.01%). This variant has not been reported in the literature in individuals affected with HSPG2-related conditions. ClinVar contains an entry for this variant (Variation ID: 1364606). An algorithm developed to predict the effect of missense changes on protein structure and function (PolyPhen-2) suggests that this variant¬†is likely to be tolerated. In summary, the available evidence is currently insufficient to determine the role of this variant in disease. Therefore, it has been classified as a Variant of Uncertain Significance.